The following is an entry in ClinVar:

NM_004130.4(GYG1):c.631del (p.Val211fs)

Gene: GYG1 (glycogenin 1; plus strand). Cytogenetic location: 3q24.
Variant type: Deletion.
Coding change: c.631del on transcript NM_004130.4 (MANE Select); coding-DNA position 631, one base deleted (G; older notation c.631delG).
Protein change: p.Val211fs; shifts the reading frame from valine 211.
Molecular consequence: frameshift variant. On other transcripts: intron variant (1).
Genome position (GRCh38, 1-based): chr3:149,024,075, G deleted. VCF-style (leftmost placement, unchanged base first): chr3-149024074-TG-T. GRCh37 (hg19) VCF-style: chr3-148741861-TG-T.
Other names: c.631del, p.Val211fs (NM_001184720.2); c.609-2685del (NM_001184721.2); short protein forms V211fs.
Identifiers: ClinVar variation 855451 (VCV000855451.6), dbSNP rs1429663478, ClinGen allele CA546932217.
Genomic context (GRCh38, chr3:149,024,074, plus strand): 5'-AGAATCCACTAACTGTTTCAACTTGCGTTCACTTGGCAGGTTTGGTGCAAGTGCCAAAGT[TG>T]TGCATTTCCTGGGACGAGTCAAACCATGGAATTATACTTATGATCCCAAAACAAAAAGTG-3'

ClinVar aggregate classification (germline): Pathogenic (1 of 4 stars; one submission).

Conditions:
Polyglucosan body myopathy type 2. Identifiers: Orphanet 456369, MedGen C4015452, MONDO:0014526, OMIM 616199.
Glycogen storage disease XV (GSD15). Also called: GLYCOGENIN DEFICIENCY; GSD XV. Identifiers: Orphanet 263297, MedGen C3150754, MONDO:0013291, OMIM 613507.

Allele frequency attached by ClinVar (database versions not stated): gnomAD 0.00001; gnomAD exomes 0.00001; TOPMed below 0.00001.

Submission:

Labcorp Genetics (formerly Invitae), Labcorp
Classification: Pathogenic for Polyglucosan body myopathy type 2; Glycogen storage disease XV. Last evaluated: 2025-04-04. Review status: criteria provided, single submitter. Criteria: Invitae Variant Classification Sherloc (09022015). Collection method: clinical testing. Allele origin: germline.
Comment: This sequence change creates a premature translational stop signal (p.Val211Cysfs*30) in the GYG1 gene. It is expected to result in an absent or disrupted protein product. Loss-of-function variants in GYG1 are known to be pathogenic (PMID: 20357282, 25272951). This variant is present in population databases (no rsID available, gnomAD 0.003%). This variant has not been reported in the literature in individuals affected with GYG1-related conditions. ClinVar contains an entry for this variant (Variation ID: 855451). For these reasons, this variant has been classified as Pathogenic.

Literature cited by the submitters: PubMed 20357282; PubMed 25272951.